The following is an entry in ClinVar:

NM_024079.5(ALG8):c.446T>C (p.Leu149Pro)

Gene: ALG8 (ALG8 alpha-1,3-glucosyltransferase; minus strand). Cytogenetic location: 11q14.1.
Variant type: single nucleotide variant.
Coding change: c.446T>C on transcript NM_024079.5 (MANE Select); coding-DNA position 446, T replaced by C.
Protein change: p.Leu149Pro; replaces leucine 149 with proline.
Molecular consequence: missense variant.
Genome position (GRCh38, 1-based): chr11:78,121,097, A>G on the plus strand (T>C on the coding strand, the complement: ALG8 is on the minus strand). VCF-style: chr11-78121097-A-G. GRCh37 (hg19) VCF-style: chr11-77832143-A-G.
Other names: c.446T>C, p.Leu149Pro (NM_001007027.3); short protein forms L149P.
Identifiers: ClinVar variation 2100353 (VCV002100353.4), dbSNP rs756243372, ClinGen allele CA382119243.

ClinVar aggregate classification (germline): Uncertain significance (1 of 4 stars; one submission).

Conditions:
ALG8 congenital disorder of glycosylation. Also called: ALG8-CDG; CONGENITAL DISORDER OF GLYCOSYLATION, TYPE Ih; CDG Ih. Identifiers: Orphanet 79325, MedGen C2931002, MONDO:0011969, OMIM 608104.

Submission:

Labcorp Genetics (formerly Invitae), Labcorp
Classification: Uncertain significance for ALG8 congenital disorder of glycosylation. Last evaluated: 2022-07-23. Review status: criteria provided, single submitter. Criteria: Invitae Variant Classification Sherloc (09022015). Collection method: clinical testing. Allele origin: germline.
Comment: This sequence change replaces leucine, which is neutral and non-polar, with proline, which is neutral and non-polar, at codon 149 of the ALG8 protein (p.Leu149Pro). This variant is not present in population databases (gnomAD no frequency). This variant has not been reported in the literature in individuals affected with ALG8-related conditions. Algorithms developed to predict the effect of missense changes on protein structure and function (SIFT, PolyPhen-2, Align-GVGD) all suggest that this variant is likely to be disruptive. In summary, the available evidence is currently insufficient to determine the role of this variant in disease. Therefore, it has been classified as a Variant of Uncertain Significance.